The following is an entry in ClinVar:

ClinVar aggregate classification (germline): Uncertain significance (1 of 4 stars; one submission).

Submission:

Labcorp Genetics (formerly Invitae), Labcorp
Classification: Uncertain significance. Last evaluated: 2021-06-21. Review status: criteria provided, single submitter. Criteria: Invitae Variant Classification Sherloc (09022015). Collection method: clinical testing. Allele origin: germline.
Comment: In summary, the available evidence is currently insufficient to determine the role of this variant in disease. Therefore, it has been classified as a Variant of Uncertain Significance. This sequence change replaces glycine with glutamic acid at codon 1012 of the POLR2A protein (p.Gly1012Glu). The glycine residue is highly conserved and there is a moderate physicochemical difference between glycine and glutamic acid. This variant is not present in population databases (ExAC no frequency). This variant has not been reported in the literature in individuals with POLR2A-related conditions. Algorithms developed to predict the effect of missense changes on protein structure and function are either unavailable or do not agree on the potential impact of this missense change (SIFT: "Deleterious"; PolyPhen-2: "Possibly Damaging"; Align-GVGD: "Class C0").

NM_000937.5(POLR2A):c.3035G>A (p.Gly1012Glu)

Gene: POLR2A (RNA polymerase II subunit A; plus strand). Cytogenetic location: 17p13.1.
Variant type: single nucleotide variant.
Coding change: c.3035G>A on transcript NM_000937.5 (MANE Select); coding-DNA position 3035, G replaced by A.
Protein change: p.Gly1012Glu; replaces glycine 1012 with glutamic acid.
Molecular consequence: missense variant.
Genome position (GRCh38, 1-based): chr17:7,503,586, G>A. VCF-style: chr17-7503586-G-A. GRCh37 (hg19) VCF-style: chr17-7406905-G-A.
Other names: short protein forms G1012E.
Identifiers: ClinVar variation 1474624 (VCV001474624.8), dbSNP rs2150884223, ClinGen allele CA397801523.
Genomic context (GRCh38, chr17:7,503,586, plus strand): 5'-GGGGATAGGAGACTGCTGGGCCCTGGTCTAATGATCTCCTCACCTTTAATTGGTCCCCAG[G>A]AGTCAAGGAATTGAGCAAGAAGCTGGTGATTGTGAATGGGGATGACCCACTAAGTCGACA-3'
Protein context (NP_000928.1, residues 1002-1022): SDLHPIKVVE[Gly1012Glu]VKELSKKLVI